The following is an entry in ClinVar:

ClinVar aggregate classification (germline): Uncertain significance (1 of 4 stars; one submission).

gnomAD v4.1: 3 of 1,614,200 alleles (0.00019%); highest among the groups gnomAD compares: African/African-American, 0.0027%; no homozygotes.

Submission:

Labcorp Genetics (formerly Invitae), Labcorp
Classification: Uncertain significance. Last evaluated: 2024-11-06. Review status: criteria provided, single submitter. Criteria: Invitae Variant Classification Sherloc (09022015). Collection method: clinical testing. Allele origin: germline.
Comment: This sequence change replaces asparagine, which is neutral and polar, with lysine, which is basic and polar, at codon 711 of the ADCY5 protein (p.Asn711Lys). This variant is not present in population databases (gnomAD no frequency). This variant has not been reported in the literature in individuals affected with ADCY5-related conditions. Invitae Evidence Modeling of protein sequence and biophysical properties (such as structural, functional, and spatial information, amino acid conservation, physicochemical variation, residue mobility, and thermodynamic stability) has been performed for this missense variant. However, the output from this modeling did not meet the statistical confidence thresholds required to predict the impact of this variant on ADCY5 protein function. In summary, the available evidence is currently insufficient to determine the role of this variant in disease. Therefore, it has been classified as a Variant of Uncertain Significance.

NM_183357.3(ADCY5):c.2133C>A (p.Asn711Lys)

Gene: ADCY5 (adenylate cyclase 5; minus strand). Cytogenetic location: 3q21.1.
Variant type: single nucleotide variant.
Coding change: c.2133C>A on transcript NM_183357.3 (MANE Select); coding-DNA position 2133, C replaced by A.
Protein change: p.Asn711Lys; replaces asparagine 711 with lysine.
Molecular consequence: missense variant.
Genome position (GRCh38, 1-based): chr3:123,319,797, G>T on the plus strand (C>A on the coding strand, the complement: ADCY5 is on the minus strand). VCF-style: chr3-123319797-G-T. GRCh37 (hg19) VCF-style: chr3-123038644-G-T.
Other names: c.1083C>A, p.Asn361Lys (NM_001199642.1); c.2133C>A, p.Asn711Lys (NM_001378259.1); short protein forms N361K, N711K.
Identifiers: ClinVar variation 3716678 (VCV003716678.2).
Genomic context (GRCh38, chr3:123,319,797, plus strand): 5'-CCTATCAATGCTCCTGGCGTCAATGGCACGGCCCAGAAACTCATCCACTTCATCCTCAGG[G>T]TTCGCACTCTCCTGGGCGTTCCTGGGGAGCAGAAGGCACGGGCGTGAGACAGGCTGACCA-3'
Protein context (NP_899200.1, residues 701-721): PKDKNAQESA[Asn711Lys]PEDEVDEFLG